The following is an entry in ClinVar:

NM_001363711.2(DUOX2):c.488G>T (p.Arg163Leu)

Gene: DUOX2 (dual oxidase 2; minus strand). Cytogenetic location: 15q21.1.
Variant type: single nucleotide variant.
Coding change: c.488G>T on transcript NM_001363711.2 (MANE Select); coding-DNA position 488, G replaced by T.
Protein change: p.Arg163Leu; replaces arginine 163 with leucine.
Molecular consequence: missense variant.
Genome position (GRCh38, 1-based): chr15:45,111,793, C>A on the plus strand (G>T on the coding strand, the complement: DUOX2 is on the minus strand). VCF-style: chr15-45111793-C-A. GRCh37 (hg19) VCF-style: chr15-45403991-C-A.
Other names: c.488G>T, p.Arg163Leu (NM_014080.5); short protein forms R163L.
Identifiers: ClinVar variation 1414984 (VCV001414984.4), dbSNP rs374459143, ClinGen allele CA7538947.

ClinVar aggregate classification (germline): Uncertain significance (1 of 4 stars; one submission).

Submission:

Labcorp Genetics (formerly Invitae), Labcorp
Classification: Uncertain significance. Last evaluated: 2025-04-07. Review status: criteria provided, single submitter. Criteria: Invitae Variant Classification Sherloc (09022015). Collection method: clinical testing. Allele origin: germline.
Comment: This sequence change replaces arginine, which is basic and polar, with leucine, which is neutral and non-polar, at codon 163 of the DUOX2 protein (p.Arg163Leu). This variant is not present in population databases (gnomAD no frequency). This variant has not been reported in the literature in individuals affected with DUOX2-related conditions. ClinVar contains an entry for this variant (Variation ID: 1414984). Invitae Evidence Modeling of protein sequence and biophysical properties (such as structural, functional, and spatial information, amino acid conservation, physicochemical variation, residue mobility, and thermodynamic stability) indicates that this missense variant is not expected to disrupt DUOX2 protein function with a negative predictive value of 80%. In summary, the available evidence is currently insufficient to determine the role of this variant in disease. Therefore, it has been classified as a Variant of Uncertain Significance.